The following is an entry in ClinVar:

NM_002234.4(KCNA5):c.1286C>T (p.Ala429Val)

Gene: KCNA5 (potassium voltage-gated channel subfamily A member 5; plus strand). Cytogenetic location: 12p13.32.
Variant type: single nucleotide variant.
Coding change: c.1286C>T on transcript NM_002234.4 (MANE Select); coding-DNA position 1286, C replaced by T.
Protein change: p.Ala429Val; replaces alanine 429 with valine.
Molecular consequence: missense variant.
Genome position (GRCh38, 1-based): chr12:5,045,433, C>T. VCF-style: chr12-5045433-C-T. GRCh37 (hg19) VCF-style: chr12-5154599-C-T.
Other names: c.1286C>T (NM_002234.2); short protein forms A429V.
Identifiers: ClinVar variation 853630 (VCV000853630.12), dbSNP rs745704941, ClinGen allele CA6399841.

ClinVar aggregate classification (germline): Uncertain significance. Review status: criteria provided, multiple submitters, no conflicts (2 of 4 stars). 4 submissions from 4 submitters: Uncertain significance (4). Last evaluated 2025-01-28.

Conditions:
Inborn genetic diseases. Identifiers: MedGen C0950123, MeSH D030342.
Atrial fibrillation, familial, 7 (ATFB7). Identifiers: MedGen C2677106, MONDO:0012828, OMIM 612240.

Allele frequency attached by ClinVar (database versions not stated): gnomAD 0.00001; ExAC 0.00002; TOPMed 0.00002; gnomAD exomes 0.00004 and 0.00006.

Submissions (4):

Labcorp Genetics (formerly Invitae), Labcorp
Classification: Uncertain significance for Atrial fibrillation, familial, 7. Last evaluated: 2025-01-28. Review status: criteria provided, single submitter. Criteria: Invitae Variant Classification Sherloc (09022015). Collection method: clinical testing. Allele origin: germline.
Comment: This sequence change replaces alanine, which is neutral and non-polar, with valine, which is neutral and non-polar, at codon 429 of the KCNA5 protein (p.Ala429Val). This variant is present in population databases (rs745704941, gnomAD 0.006%). This variant has not been reported in the literature in individuals affected with KCNA5-related conditions. ClinVar contains an entry for this variant (Variation ID: 853630). Invitae Evidence Modeling of protein sequence and biophysical properties (such as structural, functional, and spatial information, amino acid conservation, physicochemical variation, residue mobility, and thermodynamic stability) indicates that this missense variant is expected to disrupt KCNA5 protein function with a positive predictive value of 80%. In summary, the available evidence is currently insufficient to determine the role of this variant in disease. Therefore, it has been classified as a Variant of Uncertain Significance.

Ambry Genetics
Classification: Uncertain significance for Inborn genetic diseases. Last evaluated: 2025-01-16. Review status: criteria provided, single submitter. Criteria: Ambry Variant Classification Scheme 2023. Collection method: clinical testing. Allele origin: germline.

Blueprint Genetics
Classification: Uncertain significance. Last evaluated: 2022-03-29. Review status: criteria provided, single submitter. Criteria: ACMG Guidelines, 2015. Collection method: clinical testing. Allele origin: germline.

Fulgent Genetics
Classification: Uncertain significance for Atrial fibrillation, familial, 7. Last evaluated: 2021-07-29. Review status: criteria provided, single submitter. Criteria: ACMG Guidelines, 2015. Collection method: clinical testing. Allele origin: unknown.